The following is an entry in ClinVar:

NM_001161352.2(KCNMA1):c.2092C>T (p.Pro698Ser)

Gene: KCNMA1 (potassium calcium-activated channel subfamily M alpha 1; minus strand). Cytogenetic location: 10q22.3.
Variant type: single nucleotide variant.
Coding change: c.2092C>T on transcript NM_001161352.2 (MANE Select); coding-DNA position 2092, C replaced by T.
Protein change: p.Pro698Ser; replaces proline 698 with serine.
Molecular consequence: missense variant. On other transcripts: synonymous variant (4).
Genome position (GRCh38, 1-based): chr10:77,011,967, G>A on the plus strand (C>T on the coding strand, the complement: KCNMA1 is on the minus strand). VCF-style: chr10-77011967-G-A. GRCh37 (hg19) VCF-style: chr10-78771725-G-A.
Other names: c.2104C>T, p.Leu702Phe (NM_001014797.3, NM_001322835.2, NM_001322837.2); c.2092C>T, p.Leu698Phe (NM_001161353.2, NM_001322832.2, NM_002247.4); c.1942C>T, p.Leu648Phe (NM_001271518.2); c.2092C>T, p.Leu698= (NM_001271519.2, NM_001322829.2, NM_001322836.2); c.2104C>T, p.Leu702= (NM_001322830.2); c.1552C>T, p.Leu518Phe (NM_001322838.2); short protein forms L702F, L698F, L518F, L648F, P698S.
Identifiers: ClinVar variation 287117 (VCV000287117.16), dbSNP rs886043569, ClinGen allele CA10605670.

ClinVar aggregate classification (germline): Uncertain significance. Review status: criteria provided, multiple submitters, no conflicts (2 of 4 stars). 3 submissions from 3 submitters: Uncertain significance (3). Last evaluated 2025-07-02.

Conditions:
Generalized epilepsy-paroxysmal dyskinesia syndrome (PNKD3). Also called: Paroxysmal nonkinesigenic dyskinesia, 3, with or without generalized epilepsy; Generalized epilepsy and paroxysmal dyskinesia. Identifiers: Orphanet 79137, MedGen C5574945, MONDO:0012276, OMIM 609446.

Allele frequency attached by ClinVar (database versions not stated): gnomAD exomes 0.00002; TOPMed 0.00003.
gnomAD v4.1: 35 of 1,613,354 alleles (0.0022%); highest among the groups gnomAD compares: East Asian, 0.0089%; no homozygotes.

Submissions (3):

Labcorp Genetics (formerly Invitae), Labcorp
Classification: Uncertain significance for Generalized epilepsy-paroxysmal dyskinesia syndrome. Last evaluated: 2025-07-02. Review status: criteria provided, single submitter. Criteria: Invitae Variant Classification Sherloc (09022015). Collection method: clinical testing. Allele origin: germline.
Comment: This sequence change replaces leucine, which is neutral and non-polar, with phenylalanine, which is neutral and non-polar, at codon 698 of the KCNMA1 protein (p.Leu698Phe). This variant is present in population databases (no rsID available, gnomAD 0.02%). This variant has not been reported in the literature in individuals affected with KCNMA1-related conditions. ClinVar contains an entry for this variant (Variation ID: 287117). An algorithm developed to predict the effect of missense changes on protein structure and function (PolyPhen-2) suggests that this variant is likely to be tolerated. In summary, the available evidence is currently insufficient to determine the role of this variant in disease. Therefore, it has been classified as a Variant of Uncertain Significance.

GeneDx
Classification: Uncertain significance. Last evaluated: 2019-05-28. Review status: criteria provided, single submitter. Criteria: GeneDx Variant Classification Process June 2021. Collection method: clinical testing. Allele origin: germline. Affected: yes.
Comment: In silico analysis, which includes protein predictors and evolutionary conservation, supports a deleterious effect; Has not been previously published as pathogenic or benign to our knowledge

Eurofins Ntd Llc (ga)
Classification: Uncertain significance. Last evaluated: 2016-04-12. Review status: criteria provided, single submitter. Criteria: EGL Classification Definitions 2015. Collection method: clinical testing. Allele origin: germline. Observed: 2 variant alleles, 2 heterozygotes.